The following is an entry in ClinVar:

ClinVar aggregate classification (germline): Uncertain significance. Review status: criteria provided, multiple submitters, no conflicts (2 of 4 stars). 3 submissions from 3 submitters: Uncertain significance (3). Last evaluated 2025-06-30.

Conditions:
Brugada syndrome 8 (BRGDA8). Identifiers: Orphanet 130, MedGen C2751083, MONDO:0013148, OMIM 613123.
Epilepsy, idiopathic generalized, susceptibility to, 18. Identifiers: MedGen C5561983, MONDO:0030434, OMIM 619521.
Sick sinus syndrome 2, autosomal dominant (SSS2). Also called: SINUS BRADYCARDIA SYNDROME, FAMILIAL, AUTOSOMAL DOMINANT; SINUS NODE DISEASE, FAMILIAL, AUTOSOMAL DOMINANT; SICK SINUS SYNDROME 2; SICK SINUS SYNDROME 2 WITH OR WITHOUT CARDIAC NONCOMPACTION AND/OR ASCENDING AORTA DILATION; ATRIAL FIBRILLATION WITH BRADYARRHYTHMIA. Identifiers: Orphanet 166282, MedGen C1834144, MONDO:0008102, OMIM 163800.
Cardiovascular phenotype. Identifiers: MedGen CN230736.

Allele frequency attached by ClinVar (database versions not stated): ExAC 0.00002; gnomAD 0.00005 and 0.00004; TOPMed 0.00008; gnomAD exomes 0.00001 and 0.00002; 1000 Genomes Project 0.00020; 1000 Genomes Project 30x 0.00031.
gnomAD v4.1: 34 of 1,595,262 alleles (0.0021%); highest among the groups gnomAD compares: Middle Eastern, 0.017%; no homozygotes.

Submissions (3):

Ambry Genetics
Classification: Uncertain significance for Cardiovascular phenotype. Last evaluated: 2025-06-30. Review status: criteria provided, single submitter. Criteria: Ambry Variant Classification Scheme 2023. Collection method: clinical testing. Allele origin: germline.
Comment: The p.R800C variant (also known as c.2398C>T), located in coding exon 8 of the HCN4 gene, results from a C to T substitution at nucleotide position 2398. The arginine at codon 800 is replaced by cysteine, an amino acid with highly dissimilar properties. This amino acid position is conserved. In addition, this alteration is predicted to be tolerated by in silico analysis. Since supporting evidence is limited at this time, the clinical significance of this alteration remains unclear.

Labcorp Genetics (formerly Invitae), Labcorp
Classification: Uncertain significance for Brugada syndrome 8. Last evaluated: 2024-07-23. Review status: criteria provided, single submitter. Criteria: Invitae Variant Classification Sherloc (09022015). Collection method: clinical testing. Allele origin: germline.
Comment: This sequence change replaces arginine, which is basic and polar, with cysteine, which is neutral and slightly polar, at codon 800 of the HCN4 protein (p.Arg800Cys). This variant is present in population databases (rs181894662, gnomAD 0.008%). This variant has not been reported in the literature in individuals affected with HCN4-related conditions. ClinVar contains an entry for this variant (Variation ID: 655088). Advanced modeling of protein sequence and biophysical properties (such as structural, functional, and spatial information, amino acid conservation, physicochemical variation, residue mobility, and thermodynamic stability) performed at Invitae indicates that this missense variant is not expected to disrupt HCN4 protein function with a negative predictive value of 95%. In summary, the available evidence is currently insufficient to determine the role of this variant in disease. Therefore, it has been classified as a Variant of Uncertain Significance.

Fulgent Genetics
Classification: Uncertain significance for Sick sinus syndrome 2, autosomal dominant; Brugada syndrome 8; Epilepsy, idiopathic generalized, susceptibility to, 18. Last evaluated: 2021-08-05. Review status: criteria provided, single submitter. Criteria: ACMG Guidelines, 2015. Collection method: clinical testing. Allele origin: unknown.

NM_005477.3(HCN4):c.2398C>T (p.Arg800Cys)

Gene: HCN4 (hyperpolarization activated cyclic nucleotide gated potassium channel 4; minus strand). Cytogenetic location: 15q24.1.
Variant type: single nucleotide variant.
Coding change: c.2398C>T on transcript NM_005477.3 (MANE Select); coding-DNA position 2398, C replaced by T.
Protein change: p.Arg800Cys; replaces arginine 800 with cysteine.
Molecular consequence: missense variant.
Genome position (GRCh38, 1-based): chr15:73,323,695, G>A on the plus strand (C>T on the coding strand, the complement: HCN4 is on the minus strand). VCF-style: chr15-73323695-G-A. GRCh37 (hg19) VCF-style: chr15-73616036-G-A.
Other names: short protein forms R800C.
Identifiers: ClinVar variation 655088 (VCV000655088.11), dbSNP rs181894662, ClinGen allele CA7649036.